The following is an entry in ClinVar:

ClinVar aggregate classification (germline): Uncertain significance (1 of 4 stars; one submission).

Conditions:
Dilated cardiomyopathy 1G (CMD1G). Identifiers: Orphanet 154, MedGen C1858763, MONDO:0011400, OMIM 604145.
Autosomal recessive limb-girdle muscular dystrophy type 2J (LGMDR10). Also called: Limb-girdle muscular dystrophy, type 2J; MUSCULAR DYSTROPHY, LIMB-GIRDLE, AUTOSOMAL RECESSIVE 10. Identifiers: Orphanet 140922, MedGen C1837342, MONDO:0012127, OMIM 608807.

Submission:

Labcorp Genetics (formerly Invitae), Labcorp
Classification: Uncertain significance for Dilated cardiomyopathy 1G; Limb-girdle muscular dystrophy, type 2J. Last evaluated: 2018-06-22. Review status: criteria provided, single submitter. Criteria: Invitae Variant Classification Sherloc (09022015). Collection method: clinical testing. Allele origin: germline.
Comment: This sequence change replaces glutamic acid with lysine at codon 4256 of the TTN protein (p.Glu4256Lys). The glutamic acid residue is @@AA_CONSERV@@ conserved and there is a small physicochemical difference between glutamic acid and lysine. This variant is not present in population databases (ExAC no frequency). This variant has not been reported in the literature in individuals with TTN-related disease. In summary, the available evidence is currently insufficient to determine the role of this variant in disease. Therefore, it has been classified as a Variant of Uncertain Significance.

NM_001267550.2(TTN):c.12766G>A (p.Glu4256Lys)

Gene: TTN (titin; minus strand). Cytogenetic location: 2q31.2.
Variant type: single nucleotide variant.
Coding change: c.12766G>A on transcript NM_001267550.2 (MANE Select); coding-DNA position 12766, G replaced by A.
Protein change: p.Glu4256Lys; replaces glutamic acid 4256 with lysine.
Molecular consequence: missense variant. On other transcripts: intron variant (1).
Genome position (GRCh38, 1-based): chr2:178,740,467, C>T on the plus strand (G>A on the coding strand, the complement: TTN is on the minus strand). VCF-style: chr2-178740467-C-T. GRCh37 (hg19) VCF-style: chr2-179605194-C-T.
Other names: c.11815G>A, p.Glu3939Lys (NM_001256850.1); c.11677G>A, p.Glu3893Lys (NM_003319.4); c.12052G>A, p.Glu4018Lys (NM_133432.3); c.12253G>A, p.Glu4085Lys (NM_133437.4); c.10361-2107G>A (NM_133378.4); short protein forms E4256K, E3893K, E3939K, E4018K, E4085K.
Identifiers: ClinVar variation 580911 (VCV000580911.1), dbSNP rs1560908997, ClinGen allele CA349610512.